The following is an entry in ClinVar:

NM_005159.5(ACTC1):c.809-18del

Genes: GJD2-DT (GJD2 divergent transcript; plus strand), ACTC1 (actin alpha cardiac muscle 1; minus strand). Cytogenetic location: 15q14.
Variant type: Deletion.
Coding change: c.809-18del on transcript NM_005159.5 (MANE Select); 18 bases into the intron before coding-DNA position 809, one base deleted (T; older notation c.809-18delT).
Molecular consequence: intron variant.
Genome position (GRCh38, 1-based): chr15:34,791,313, A deleted on the plus strand (T on the coding strand, the reverse complement: ACTC1 is on the minus strand). VCF-style (leftmost placement, unchanged base first): chr15-34791312-CA-C. GRCh37 (hg19) VCF-style: chr15-35083513-CA-C.
Identifiers: ClinVar variation 1027581 (VCV001027581.1), dbSNP rs1891700805, ClinGen allele CA2169206076.
Genomic context (GRCh38, chr15:34,791,312, plus strand): 5'-GATGCTATTGTAAGTTGTTTCATGGATGCCAGCAGATTCCATACCTGGGAACGAGTCACA[CA>C]CACACACACACACACACACACACACACACACACACACACATCACAGTGCATTCAGGTCAA-3'

ClinVar aggregate classification (germline): Uncertain significance (1 of 4 stars; one submission).

Submission:

Women's Health and Genetics/Laboratory Corporation of America, LabCorp
Classification: Uncertain significance. Last evaluated: 2021-03-15. Review status: criteria provided, single submitter. Criteria: LabCorp Variant Classification Summary - May 2015. Collection method: clinical testing. Allele origin: germline.
Comment: Variant summary: ACTC1 c.809-18delT alters a non-conserved nucleotide located close to a canonical splice site and therefore could affect mRNA splicing, leading to a significantly altered protein sequence. 4/4 computational tools predict no significant impact on normal splicing. However, these predictions have yet to be confirmed by functional studies. The variant was absent in 155194 control chromosomes (gnomAD). The available data on variant occurrences in the general population are insufficient to allow any conclusion about variant significance. To our knowledge, no occurrence of c.809-18delT in individuals affected with Cardiomyopathy and no experimental evidence demonstrating its impact on protein function have been reported. No clinical diagnostic laboratories have submitted clinical-significance assessments for this variant to ClinVar after 2014. Based on the evidence outlined above, the variant was classified as VUS-possibly benign.